The following is an entry in ClinVar:

NM_177438.3(DICER1):c.2227A>G (p.Thr743Ala)

Gene: DICER1 (dicer 1, ribonuclease III; minus strand). Cytogenetic location: 14q32.13.
Variant type: single nucleotide variant.
Coding change: c.2227A>G on transcript NM_177438.3 (MANE Select); coding-DNA position 2227, A replaced by G.
Protein change: p.Thr743Ala; replaces threonine 743 with alanine.
Molecular consequence: missense variant. On other transcripts: non-coding transcript variant (6).
Genome position (GRCh38, 1-based): chr14:95,111,346, T>C on the plus strand (A>G on the coding strand, the complement: DICER1 is on the minus strand). VCF-style: chr14-95111346-T-C. GRCh37 (hg19) VCF-style: chr14-95577683-T-C.
Other names: c.2227A>G, p.Thr743Ala (NM_001195573.1, NM_001271282.3, NM_001291628.2 and 12 more transcripts); c.1945A>G, p.Thr649Ala (NM_001395686.1); c.1822A>G, p.Thr608Ala (NM_001395687.1, NM_001395688.1, NM_001395689.1 and 3 more transcripts); c.1660A>G, p.Thr554Ala (NM_001395691.1); c.544A>G, p.Thr182Ala (NM_001395697.1); short protein forms T554A, T182A, T608A, T649A, T743A.
Identifiers: ClinVar variation 3272038 (VCV003272038.1).

ClinVar aggregate classification (germline): Uncertain significance (1 of 4 stars; one submission).

Conditions:
Hereditary cancer-predisposing syndrome. Also called: Tumor predisposition; Hereditary Cancer Syndrome; Hereditary neoplastic syndrome; Neoplastic Syndromes, Hereditary. Identifiers: Orphanet 140162, MedGen C0027672, MeSH D009386, MONDO:0015356.

Submission:

Ambry Genetics
Classification: Uncertain significance for Hereditary cancer-predisposing syndrome. Last evaluated: 2024-05-31. Review status: criteria provided, single submitter. Criteria: Ambry Variant Classification Scheme 2023. Collection method: clinical testing. Allele origin: germline.
Comment: The p.T743A variant (also known as c.2227A>G), located in coding exon 13 of the DICER1 gene, results from an A to G substitution at nucleotide position 2227. The threonine at codon 743 is replaced by alanine, an amino acid with similar properties. This amino acid position is conserved. In addition, this alteration is predicted to be tolerated by in silico analysis. Based on the available evidence, the clinical significance of this variant remains unclear.